The following is an entry in ClinVar:

NM_030665.4(RAI1):c.2120C>T (p.Ser707Phe)

Gene: RAI1 (retinoic acid induced 1; plus strand). Cytogenetic location: 17p11.2.
Variant type: single nucleotide variant.
Coding change: c.2120C>T on transcript NM_030665.4 (MANE Select); coding-DNA position 2120, C replaced by T.
Protein change: p.Ser707Phe; replaces serine 707 with phenylalanine.
Molecular consequence: missense variant.
Genome position (GRCh38, 1-based): chr17:17,795,068, C>T. VCF-style: chr17-17795068-C-T. GRCh37 (hg19) VCF-style: chr17-17698382-C-T.
Other names: c.2120C>T (NM_030665.3); short protein forms S707F.
Identifiers: ClinVar variation 1721699 (VCV001721699.6), dbSNP rs767038093, ClinGen allele CA398550173.
Genomic context (GRCh38, chr17:17,795,068, plus strand): 5'-TTGAAGACCCTTCCGTGGCCTTCGCTACGCCTGACCCCAAAAAGACAACTGGTCCTCTCT[C>T]CTTTGGTACCAAGCCCACCCTTGGGGTTCCTGCTCCAGACCCCACTACAGCAGCTTTTGA-3'
Protein context (NP_109590.3, residues 697-717): PDPKKTTGPL[Ser707Phe]FGTKPTLGVP

ClinVar aggregate classification (germline): Uncertain significance. Review status: criteria provided, single submitter (1 of 4 stars). 2 submissions from 2 submitters: Uncertain significance (1). 1 of the submissions does not count toward it. Last evaluated 2022-10-16.

Conditions:
RAI1-related disorder. Also called: RAI1-related condition.

Allele frequency attached by ClinVar (database versions not stated): gnomAD 0.00001.
gnomAD v4.1: 3 of 1,614,050 alleles (0.00019%); highest among the groups gnomAD compares: East Asian, 0.0022%; no homozygotes.

Submissions (2):

Labcorp Genetics (formerly Invitae), Labcorp
Classification: Uncertain significance. Last evaluated: 2022-10-16. Review status: criteria provided, single submitter. Criteria: Invitae Variant Classification Sherloc (09022015). Collection method: clinical testing. Allele origin: germline.
Comment: In summary, the available evidence is currently insufficient to determine the role of this variant in disease. Therefore, it has been classified as a Variant of Uncertain Significance. Advanced modeling of protein sequence and biophysical properties (such as structural, functional, and spatial information, amino acid conservation, physicochemical variation, residue mobility, and thermodynamic stability) performed at Invitae indicates that this missense variant is not expected to disrupt RAI1 protein function. This variant has not been reported in the literature in individuals affected with RAI1-related conditions. This variant is not present in population databases (gnomAD no frequency). This sequence change replaces serine, which is neutral and polar, with phenylalanine, which is neutral and non-polar, at codon 707 of the RAI1 protein (p.Ser707Phe).

PreventionGenetics, part of Exact Sciences
Classification: Uncertain significance for RAI1-related condition. Last evaluated: 2024-07-17. Review status: no assertion criteria provided. Collection method: clinical testing. Allele origin: germline. Not counted in ClinVar's aggregate classification.
Comment: The RAI1 c.2120C>T variant is predicted to result in the amino acid substitution p.Ser707Phe. To our knowledge, this variant has not been reported in the literature or in a large population database, indicating this variant is rare. At this time, the clinical significance of this variant is uncertain due to the absence of conclusive functional and genetic evidence.